The following is an entry in ClinVar:

ClinVar aggregate classification (germline): Uncertain significance. Review status: criteria provided, multiple submitters, no conflicts (2 of 4 stars). 2 submissions from 2 submitters: Uncertain significance (2). Last evaluated 2024-04-28.

Conditions:
Walker-Warburg congenital muscular dystrophy. Also called: Muscular dystrophy-dystroglycanopathy, type A; Walker-Warburg syndrome. Identifiers: Orphanet 899, MedGen C0265221, MONDO:0000171.
Cardiovascular phenotype. Identifiers: MedGen CN230736.

Allele frequency attached by ClinVar (database versions not stated): gnomAD exomes below 0.00001; ExAC 0.00001; gnomAD 0.00001; TOPMed 0.00001.
gnomAD v4.1: 2 of 1,611,848 alleles (0.00012%); highest among the groups gnomAD compares: Non-Finnish European, 0.00017%; no homozygotes.

Submissions (2):

Ambry Genetics
Classification: Uncertain significance for Cardiovascular phenotype. Last evaluated: 2024-04-28. Review status: criteria provided, single submitter. Criteria: Ambry Variant Classification Scheme 2023. Collection method: clinical testing. Allele origin: germline.
Comment: The p.E350K variant (also known as c.1048G>A), located in coding exon 8 of the FKTN gene, results from a G to A substitution at nucleotide position 1048. The glutamic acid at codon 350 is replaced by lysine, an amino acid with similar properties. This amino acid position is conserved. In addition, this alteration is predicted to be deleterious by in silico analysis. Based on the available evidence, the clinical significance of this variant remains unclear.

Labcorp Genetics (formerly Invitae), Labcorp
Classification: Uncertain significance for Walker-Warburg congenital muscular dystrophy. Last evaluated: 2021-09-17. Review status: criteria provided, single submitter. Criteria: Invitae Variant Classification Sherloc (09022015). Collection method: clinical testing. Allele origin: germline.
Comment: This sequence change replaces glutamic acid with lysine at codon 350 of the FKTN protein (p.Glu350Lys). The glutamic acid residue is highly conserved and there is a small physicochemical difference between glutamic acid and lysine. This variant is present in population databases (rs750759323, ExAC 0.002%). This variant has not been reported in the literature in individuals with FKTN-related conditions. Algorithms developed to predict the effect of missense changes on protein structure and function (SIFT, PolyPhen-2, Align-GVGD) all suggest that this variant is likely to be tolerated, but these predictions have not been confirmed by published functional studies and their clinical significance is uncertain. Algorithms developed to predict the effect of sequence changes on RNA splicing suggest that this variant may create or strengthen a splice site, but this prediction has not been confirmed by published transcriptional studies. In summary, the available evidence is currently insufficient to determine the role of this variant in disease. Therefore, it has been classified as a Variant of Uncertain Significance.

NM_001079802.2(FKTN):c.1048G>A (p.Glu350Lys)

Gene: FKTN (fukutin; plus strand). Cytogenetic location: 9q31.2.
Variant type: single nucleotide variant.
Coding change: c.1048G>A on transcript NM_001079802.2 (MANE Select); coding-DNA position 1048, G replaced by A.
Protein change: p.Glu350Lys; replaces glutamic acid 350 with lysine.
Molecular consequence: missense variant. On other transcripts: non-coding transcript variant (2).
Genome position (GRCh38, 1-based): chr9:105,619,937, G>A. VCF-style: chr9-105619937-G-A. GRCh37 (hg19) VCF-style: chr9-108382218-G-A.
Other names: c.1048G>A, p.Glu350Lys (NM_001198963.2, NM_001351496.2, NM_001351498.2 and 1 more transcripts); c.979G>A, p.Glu327Lys (NM_001351497.2); c.652G>A, p.Glu218Lys (NM_001351499.2, NM_001351500.2, NM_001351501.2 and 1 more transcripts); c.1048G>A (NM_001079802.1); short protein forms E327K, E218K, E350K.
Identifiers: ClinVar variation 1488395 (VCV001488395.6), dbSNP rs750759323, ClinGen allele CA5170565.
Genomic context (GRCh38, chr9:105,619,937, plus strand): 5'-TTTTTAAAAATGTATTTCCTTTGTTTCAGTGTGTGAAGGTTTTCATCTTCCCCATAGGTA[G>A]AAGACAGCTTGGAACTATCCTTCCAGGGAAAAGATGATGTAAAACTTGATGTTTTTTTCT-3'
Protein context (NP_001073270.1, residues 340-360): LPLKHKFGKV[Glu350Lys]DSLELSFQGK